The following is an entry in ClinVar:

NM_001009944.3(PKD1):c.8365del (p.Asp2789fs)

Gene: PKD1 (polycystin 1, transient receptor potential channel interacting; minus strand). Cytogenetic location: 16p13.3.
Variant type: Deletion.
Coding change: c.8365del on transcript NM_001009944.3 (MANE Select); coding-DNA position 8365, one base deleted (G; older notation c.8365delG).
Protein change: p.Asp2789fs; shifts the reading frame from aspartic acid 2789.
Molecular consequence: frameshift variant.
Genome position (GRCh38, 1-based): chr16:2,103,692, C deleted on the plus strand (G on the coding strand, the reverse complement: PKD1 is on the minus strand); the first of 2 consecutive C bases (chr16:2,103,692-2,103,693); deleting either gives the same sequence. VCF-style (leftmost placement, unchanged base first): chr16-2103691-TC-T. GRCh37 (hg19) VCF-style: chr16-2153692-TC-T.
Other names: c.8365del, p.Asp2789fs (NM_000296.4); short protein forms D2789fs.
Identifiers: ClinVar variation 4851875 (VCV004851875.1).

ClinVar aggregate classification (germline): Likely pathogenic (1 of 4 stars; one submission).

Conditions:
Polycystic kidney disease, adult type (PKD1). Also called: POLYCYSTIC KIDNEY DISEASE, ADULT, TYPE I; Polycystic Kidney Disease 1, Autosomal Dominant; Polycystic kidney disease 1; Polycystic kidney disease 1, severe; POLYCYSTIC KIDNEY DISEASE 1 WITH OR WITHOUT POLYCYSTIC LIVER DISEASE; Polycystic Kidney, Autosomal Dominant. Identifiers: MedGen C3149841, MONDO:0008263, OMIM 173900.

Submission:

Dasa
Classification: Likely pathogenic for Polycystic kidney disease, adult type. Last evaluated: 2025-03-03. Review status: criteria provided, single submitter. Criteria: DASA Assertion Criteria. Collection method: clinical testing. Allele origin: germline.
Comment: NM_001009944.3(PKD1):c.8365del (p.Asp2789Thrfs*86) introduces a premature termination codon predicted to result in loss of normal protein function. Loss-of-function is an established mechanism of disease for this gene. The variant is present at low frequency in population datasets. Based on the available data, this variant is classified as likely pathogenic.